The following is an entry in ClinVar:

NM_001379286.1(ZNF423):c.3861G>A (p.Met1287Ile)

Gene: ZNF423 (zinc finger protein 423; minus strand). Cytogenetic location: 16q12.1.
Variant type: single nucleotide variant.
Coding change: c.3861G>A on transcript NM_001379286.1 (MANE Select); coding-DNA position 3861, G replaced by A.
Protein change: p.Met1287Ile; replaces methionine 1287 with isoleucine.
Molecular consequence: missense variant.
Genome position (GRCh38, 1-based): chr16:49,491,293, C>T on the plus strand (G>A on the coding strand, the complement: ZNF423 is on the minus strand). VCF-style: chr16-49491293-C-T. GRCh37 (hg19) VCF-style: chr16-49525204-C-T.
Other names: c.3657G>A, p.Met1219Ile (NM_001271620.2); c.3486G>A, p.Met1162Ile (NM_001330533.2); c.3837G>A, p.Met1279Ile (NM_015069.5); c.3837G>A (NM_015069.2); short protein forms M1162I, M1279I, M1219I, M1287I.
Identifiers: ClinVar variation 1363931 (VCV001363931.9), dbSNP rs2151640447, ClinGen allele CA396110663.
Genomic context (GRCh38, chr16:49,491,293, plus strand): 5'-CCGGCAAGCCTTCTGCGGAGAGGTGTCCTGTTGAGCGATCCCTCACTGTGCGTGCTGGCT[C>T]ATCGTGTGGTTCTGCAAAGGCGAAGAAAGGAGACACACATGAAGGAGAAGAATGGAGAGC-3'
Protein context (NP_001366215.1, residues 1277-1292): FFQTELQNHT[Met1287Ile]SQHAQ

ClinVar aggregate classification (germline): Uncertain significance. Review status: criteria provided, multiple submitters, no conflicts (2 of 4 stars). 2 submissions from 2 submitters: Uncertain significance (2). Last evaluated 2025-10-28.

Conditions:
Nephronophthisis 14 (NPHP14). Identifiers: Orphanet 2318, MedGen C3539071, MONDO:0013916, OMIM 614844.

Submissions (2):

Ambry Genetics
Classification: Uncertain significance. Last evaluated: 2025-10-28. Review status: criteria provided, single submitter. Criteria: Ambry Variant Classification Scheme 2023. Collection method: clinical testing. Allele origin: germline.

Labcorp Genetics (formerly Invitae), Labcorp
Classification: Uncertain significance for Nephronophthisis 14. Last evaluated: 2021-06-25. Review status: criteria provided, single submitter. Criteria: Invitae Variant Classification Sherloc (09022015). Collection method: clinical testing. Allele origin: germline.
Comment: This variant is not present in population databases (ExAC no frequency). In summary, the available evidence is currently insufficient to determine the role of this variant in disease. Therefore, it has been classified as a Variant of Uncertain Significance. Algorithms developed to predict the effect of missense changes on protein structure and function (SIFT, PolyPhen-2, Align-GVGD) all suggest that this variant is likely to be tolerated, but these predictions have not been confirmed by published functional studies and their clinical significance is uncertain. This variant has not been reported in the literature in individuals with ZNF423-related conditions. This sequence change replaces methionine with isoleucine at codon 1279 of the ZNF423 protein (p.Met1279Ile). The methionine residue is weakly conserved and there is a small physicochemical difference between methionine and isoleucine.